The following is an entry in ClinVar:

NC_000011.9:g.(47602537_47603639)_(47606115_?)dup

Gene: NDUFS3 (NADH:ubiquinone oxidoreductase core subunit S3; plus strand). Cytogenetic location: 11p11.2.
Variant type: Duplication.
Identifiers: ClinVar variation 3339446 (VCV003339446.1).

ClinVar aggregate classification (germline): Uncertain significance (1 of 4 stars; one submission).

Submission:

Women's Health and Genetics/Laboratory Corporation of America, LabCorp
Classification: Uncertain significance. Last evaluated: 2024-07-18. Review status: criteria provided, single submitter. Criteria: LabCorp Variant Classification Summary - May 2015. Collection method: clinical testing. Allele origin: germline.
Comment: Variant summary: The variant involves the duplication of exons 5-7 in the NDUFS3 gene. A presumed nomenclature of c.(381+1_382-1)_(*82_?)dup has been designated for the purposes of this classification. The exact breakpoint at the 3' end of this variant is unknown, therefore this duplication may extend downstream of the annotated region of the gene. As it duplicates the termination codon, its effect on the encoded protein is unknown. The variant was absent in 21694 control chromosomes (gnomAD v4 SV database). The available data on variant occurrences in the general population are insufficient to allow any conclusion about variant significance. To our knowledge, no occurrence of c.(381+1_382-1)_(*82_?)dup in individuals affected with Mitochondrial Complex 1 Deficiency, Nuclear Type 8 and no experimental evidence demonstrating its impact on protein function have been reported. No submitters have cited clinical-significance assessments for this variant to ClinVar. Based on the evidence outlined above, the variant was classified as uncertain significance.